The following is an entry in ClinVar:

ClinVar aggregate classification (germline): Uncertain significance. Review status: criteria provided, multiple submitters, no conflicts (2 of 4 stars). 5 submissions from 5 submitters: Uncertain significance (4). 1 of the submissions does not count toward it. Last evaluated 2026-01-19.

Conditions:
Cardiovascular phenotype. Identifiers: MedGen CN230736.
Cardiomyopathy (CMYO). Also called: Cardiomyopathies. Identifiers: Orphanet 167848, MedGen C0878544, MONDO:0004994, HP:0001638. Inheritance: Various modes of inheritance.
Becker muscular dystrophy (BMD). Also called: MUSCULAR DYSTROPHY, PSEUDOHYPERTROPHIC PROGRESSIVE, BECKER TYPE; Becker Muscular Dystrophy (BMD). Identifiers: Orphanet 98895, MedGen C0917713, MONDO:0010311, OMIM 300376.
Duchenne muscular dystrophy (DMD). Also called: Duchenne Muscular Dystrophy (DMD); MUSCULAR DYSTROPHY, PSEUDOHYPERTROPHIC PROGRESSIVE, DUCHENNE TYPE. Identifiers: Orphanet 98896, MedGen C0013264, MONDO:0010679, OMIM 310200.
Dystrophin deficiency.
Dilated cardiomyopathy 3B (CMD3B). Also called: CMD3B: DMD-Related Dilated Cardiomyopathy; CARDIOMYOPATHY, DILATED, X-LINKED; DMD-Associated Dilated Cardiomyopathy. Identifiers: Orphanet 154, MedGen C3668940, MONDO:0010542, OMIM 302045.

Allele frequency attached by ClinVar (database versions not stated): gnomAD exomes 0.00001; TOPMed 0.00002.
gnomAD v4.1: 8 of 1,210,797 alleles (0.00066%); highest among the groups gnomAD compares: Non-Finnish European, 0.00089%; no homozygotes.

Submissions (5):

Labcorp Genetics (formerly Invitae), Labcorp
Classification: Uncertain significance for Duchenne muscular dystrophy. Last evaluated: 2026-01-19. Review status: criteria provided, single submitter. Criteria: Invitae Variant Classification Sherloc (09022015). Collection method: clinical testing. Allele origin: germline.
Comment: This sequence change replaces valine, which is neutral and non-polar, with leucine, which is neutral and non-polar, at codon 716 of the DMD protein (p.Val716Leu). The frequency data for this variant in the population databases is considered unreliable, as metrics indicate poor data quality at this position in the gnomAD database. This variant has not been reported in the literature in individuals affected with DMD-related conditions. ClinVar contains an entry for this variant (Variation ID: 285339). Invitae Evidence Modeling of protein sequence and biophysical properties (such as structural, functional, and spatial information, amino acid conservation, physicochemical variation, residue mobility, and thermodynamic stability) indicates that this missense variant is not expected to disrupt DMD protein function with a negative predictive value of 95%. In summary, the available evidence is currently insufficient to determine the role of this variant in disease. Therefore, it has been classified as a Variant of Uncertain Significance.

Ambry Genetics
Classification: Uncertain significance for Cardiovascular phenotype. Last evaluated: 2025-07-10. Review status: criteria provided, single submitter. Criteria: Ambry Variant Classification Scheme 2023. Collection method: clinical testing. Allele origin: germline.
Comment: The p.V716L variant (also known as c.2146G>C), located in coding exon 17 of the DMD gene, results from a G to C substitution at nucleotide position 2146. The valine at codon 716 is replaced by leucine, an amino acid with highly similar properties. Based on data from gnomAD, the C allele has an overall frequency of <0.01% (1/182635) total alleles studied, with 1 hemizygote observed. The highest observed frequency was <0.01% (1/81322) of European (non-Finnish) alleles. This amino acid position is highly conserved in available vertebrate species. In addition, the in silico prediction for this alteration is inconclusive. Since supporting evidence is limited at this time, the clinical significance of this alteration remains unclear.

Eurofins Ntd Llc (ga)
Classification: Uncertain significance. Last evaluated: 2018-04-23. Review status: criteria provided, single submitter. Criteria: EGL ClinVar v180209 classification definitions. Collection method: clinical testing. Allele origin: germline. Observed: 2 variant alleles, 2 heterozygotes.

Illumina Laboratory Services, Illumina
Classification: Uncertain significance for Dilated cardiomyopathy 3B. Last evaluated: 2018-01-13. Review status: criteria provided, single submitter. Criteria: ICSL Variant Classification Criteria 13 December 2019. Collection method: clinical testing. Allele origin: germline.

Natera, Inc.
Classification: Uncertain significance for Becker muscular dystrophy; Cardiomyopathy; Duchenne muscular dystrophy; Dystrophin deficiency. Last evaluated: 2019-07-29. Review status: no assertion criteria provided. Collection method: clinical testing. Allele origin: germline. Not counted in ClinVar's aggregate classification.

NM_004006.3(DMD):c.2146G>C (p.Val716Leu)

Gene: DMD (dystrophin; minus strand). Cytogenetic location: Xp21.1.
Variant type: single nucleotide variant.
Coding change: c.2146G>C on transcript NM_004006.3 (MANE Select); coding-DNA position 2146, G replaced by C.
Protein change: p.Val716Leu; replaces valine 716 with leucine.
Molecular consequence: missense variant.
Genome position (GRCh38, 1-based): chrX:32,545,181, C>G on the plus strand (G>C on the coding strand, the complement: DMD is on the minus strand). VCF-style: chrX-32545181-C-G. GRCh37 (hg19) VCF-style: chrX-32563298-C-G.
Other names: c.2122G>C, p.Val708Leu (NM_000109.4); c.2134G>C, p.Val712Leu (NM_004009.3); c.1777G>C, p.Val593Leu (NM_004010.3); short protein forms V716L, V593L, V708L, V712L.
Identifiers: ClinVar variation 285339 (VCV000285339.18), dbSNP rs886043081, ClinGen allele CA10605084.